The following is an entry in ClinVar:

NM_000368.5(TSC1):c.211-16T>G

Gene: TSC1 (TSC complex subunit 1; minus strand). Cytogenetic location: 9q34.13.
Variant type: single nucleotide variant.
Coding change: c.211-16T>G on transcript NM_000368.5 (MANE Select); 16 bases into the intron before coding-DNA position 211, T replaced by G.
Molecular consequence: intron variant.
Genome position (GRCh38, 1-based): chr9:132,925,755, A>C on the plus strand (T>G on the coding strand, the complement: TSC1 is on the minus strand). VCF-style: chr9-132925755-A-C. GRCh37 (hg19) VCF-style: chr9-135801142-A-C.
Other names: c.-153-16T>G (NM_001406620.1, NM_001406618.1, NM_001406625.1 and 5 more transcripts); c.210+1446T>G (NM_001406613.1, NM_001406612.1, NM_001406610.1 and 2 more transcripts); c.-667-16T>G (NM_001406627.1, NM_001406628.1, NM_001406626.1); c.-809-16T>G (NM_001406629.1); c.211-16T>G (NM_001406603.1, NM_001406609.1, NM_001406597.1 and 16 more transcripts); c.-245-16T>G (NM_001406614.1, NM_001406624.1, NM_001406616.1); c.-883-16T>G (NM_001406630.1); c.-278-16T>G (NM_001406623.1, NM_001406615.1).
Identifiers: ClinVar variation 3379173 (VCV003379173.4).

ClinVar aggregate classification (germline): Likely benign. Review status: criteria provided, multiple submitters, no conflicts (2 of 4 stars). 2 submissions from 2 submitters: Likely benign (2). Last evaluated 2024-10-22.

Conditions:
Tuberous sclerosis 1 (TSC1). Identifiers: Orphanet 805, MedGen C1854465, MONDO:0008612, OMIM 191100.

Submissions (3):

Labcorp Genetics (formerly Invitae), Labcorp
Classification: Likely benign for Tuberous sclerosis 1. Last evaluated: 2024-10-22. Review status: criteria provided, single submitter. Criteria: Invitae Variant Classification Sherloc (09022015). Collection method: clinical testing. Allele origin: germline.

Myriad Genetics, Inc.
Classification: Likely benign for Tuberous sclerosis 1. Last evaluated: 2024-08-12. Review status: criteria provided, single submitter. Criteria: Myriad Autosomal Dominant, Autosomal Recessive and X-Linked Classification Criteria (2023). Collection method: clinical testing. Allele origin: unknown.
Comment: This variant is considered likely benign. This variant is intronic and is not expected to impact mRNA splicing. This variant has been observed at a population frequency that is significantly greater than expected given the associated disease prevalence and penetrance.

Dr. Peter K. Rogan Lab, Western University
No classification provided (evidence only). Condition: Familial cancer of breast. Review status: no classification provided. Collection method: in vitro. Allele origin: not applicable. Functional consequence: retained intron. Not counted in ClinVar's aggregate classification.